The following is an entry in ClinVar:

ClinVar aggregate classification (germline): Pathogenic (1 of 4 stars; one submission).

Conditions:
Duchenne muscular dystrophy (DMD). Also called: MUSCULAR DYSTROPHY, PSEUDOHYPERTROPHIC PROGRESSIVE, DUCHENNE TYPE; Duchenne Muscular Dystrophy (DMD). Identifiers: Orphanet 98896, MedGen C0013264, MONDO:0010679, OMIM 310200.

Submission:

Labcorp Genetics (formerly Invitae), Labcorp
Classification: Pathogenic for Duchenne muscular dystrophy. Last evaluated: 2025-07-16. Review status: criteria provided, single submitter. Criteria: Invitae Variant Classification Sherloc (09022015). Collection method: clinical testing. Allele origin: germline.
Comment: This sequence change creates a premature translational stop signal (p.Ser68Ilefs*21) in the DMD gene. It is expected to result in an absent or disrupted protein product. Loss-of-function variants in DMD are known to be pathogenic (PMID: 16770791, 25007885). This variant is not present in population databases (gnomAD no frequency). This variant has not been reported in the literature in individuals affected with DMD-related conditions. For these reasons, this variant has been classified as Pathogenic.

Literature cited by the submitters: PubMed 16770791; PubMed 25007885.

NM_004006.3(DMD):c.200dup (p.Ser68fs)

Gene: DMD (dystrophin; minus strand). Cytogenetic location: Xp21.1.
Variant type: Duplication.
Coding change: c.200dup on transcript NM_004006.3 (MANE Select); coding-DNA position 200, one base duplicated (G; older notation c.200dupG).
Protein change: p.Ser68fs; shifts the reading frame from serine 68.
Molecular consequence: frameshift variant. On other transcripts: 5 prime UTR variant (1).
Genome position (GRCh38, 1-based): chrX:32,844,847, C duplicated on the plus strand (G on the coding strand, the reverse complement: DMD is on the minus strand); the first of 2 consecutive C bases (chrX:32,844,847-32,844,848); duplicating either gives the same sequence. VCF-style (leftmost placement, unchanged base first): chrX-32844846-T-TC. GRCh37 (hg19) VCF-style: chrX-32862963-T-TC.
Other names: c.176dup, p.Ser60fs (NM_000109.4); c.188dup, p.Ser64fs (NM_004009.3); c.-170dup (NM_004010.3); short protein forms S60fs, S64fs, S68fs.
Identifiers: ClinVar variation 4723394 (VCV004723394.1).
Genomic context (GRCh38, chrX:32,844,846, plus strand): 5'-ATTGTTCTGCAAAACCCGCAGTGCCTTGTTGACATTGTTCAGGGCATGAACTCTTGTGGA[T>TC]CCTTTTTCTTTTGGCTGAGAACAAAACAAAAGAGTGTTCACTGACCAGCAGAGAGACCGA-3'